The following is an entry in ClinVar:

ClinVar aggregate classification (germline): Uncertain significance. Review status: criteria provided, multiple submitters, no conflicts (2 of 4 stars). 3 submissions from 3 submitters: Uncertain significance (3). Last evaluated 2025-04-07.

Conditions:
Hereditary cancer-predisposing syndrome. Also called: Neoplastic Syndromes, Hereditary; Tumor predisposition; Hereditary Cancer Syndrome; Hereditary neoplastic syndrome. Identifiers: Orphanet 140162, MedGen C0027672, MeSH D009386, MONDO:0015356.
Ataxia-telangiectasia syndrome (AT). Also called: Ataxia telangiectasia (A-T); ATAXIA-TELANGIECTASIA, COMPLEMENTATION GROUP A; ATAXIA-TELANGIECTASIA, FRESNO VARIANT; Ataxia-telangiectasia; Ataxia-telangiectasia, complementation group E; LOUIS-BAR SYNDROME. Identifiers: Orphanet 100, MedGen C0004135, MONDO:0008840, OMIM 208900.

Submissions (3):

Labcorp Genetics (formerly Invitae), Labcorp
Classification: Uncertain significance for Ataxia-telangiectasia syndrome. Last evaluated: 2025-04-07. Review status: criteria provided, single submitter. Criteria: Invitae Variant Classification Sherloc (09022015). Collection method: clinical testing. Allele origin: germline.
Comment: This sequence change replaces glutamine, which is neutral and polar, with lysine, which is basic and polar, at codon 2101 of the ATM protein (p.Gln2101Lys). This variant is not present in population databases (gnomAD no frequency). This variant has not been reported in the literature in individuals affected with ATM-related conditions. ClinVar contains an entry for this variant (Variation ID: 1025159). Invitae Evidence Modeling of protein sequence and biophysical properties (such as structural, functional, and spatial information, amino acid conservation, physicochemical variation, residue mobility, and thermodynamic stability) indicates that this missense variant is not expected to disrupt ATM protein function with a negative predictive value of 95%. In summary, the available evidence is currently insufficient to determine the role of this variant in disease. Therefore, it has been classified as a Variant of Uncertain Significance.

Ambry Genetics
Classification: Uncertain significance for Hereditary cancer-predisposing syndrome. Last evaluated: 2024-08-18. Review status: criteria provided, single submitter. Criteria: Ambry Variant Classification Scheme 2023. Collection method: clinical testing. Allele origin: germline.
Comment: The p.Q2101K variant (also known as c.6301C>A), located in coding exon 42 of the ATM gene, results from a C to A substitution at nucleotide position 6301. The glutamine at codon 2101 is replaced by lysine, an amino acid with similar properties. This amino acid position is conserved. In addition, this alteration is predicted to be deleterious by in silico analysis. Based on the available evidence, the clinical significance of this variant remains unclear.

Color Diagnostics, LLC DBA Color Health
Classification: Uncertain significance for Hereditary cancer-predisposing syndrome. Last evaluated: 2024-03-07. Review status: criteria provided, single submitter. Criteria: ACMG Guidelines, 2015. Collection method: clinical testing. Allele origin: germline.
Comment: This missense variant replaces glutamine with lysine at codon 2101 of the ATM protein. Computational prediction is inconclusive regarding the impact of this variant on protein structure and function (internally defined REVEL score threshold 0.5 < inconclusive < 0.7, PMID: 27666373). To our knowledge, functional studies have not been reported for this variant. This variant has not been reported in individuals affected with hereditary cancer in the literature. This variant has not been identified in the general population by the Genome Aggregation Database (gnomAD). The available evidence is insufficient to determine the role of this variant in disease conclusively. Therefore, this variant is classified as a Variant of Uncertain Significance.

NM_000051.4(ATM):c.6301C>A (p.Gln2101Lys)

Genes: ATM (ATM serine/threonine kinase; plus strand), C11orf65 (chromosome 11 open reading frame 65; minus strand). Cytogenetic location: 11q22.3.
Variant type: single nucleotide variant.
Coding change: c.6301C>A on transcript NM_000051.4 (MANE Select); coding-DNA position 6301, C replaced by A.
Protein change: p.Gln2101Lys; replaces glutamine 2101 with lysine.
Molecular consequence: missense variant. On other transcripts: intron variant (2).
Genome position (GRCh38, 1-based): chr11:108,317,475, C>A. VCF-style: chr11-108317475-C-A. GRCh37 (hg19) VCF-style: chr11-108188202-C-A.
Other names: c.6301C>A, p.Gln2101Lys (NM_001351834.2); c.641-8404G>T (NM_001330368.2); c.*39-8404G>T (NM_001351110.2); short protein forms Q2101K.
Identifiers: ClinVar variation 1025159 (VCV001025159.9), dbSNP rs876660164, ClinGen allele CA382552104.
Genomic context (GRCh38, chr11:108,317,475, plus strand): 5'-TTAAAAGGATTGGATTATGAAAATAAAGACTGGTGTCCTGAACTAGAAGAACTTCATTAC[C>A]AAGCAGCATGGAGGAATATGCAGTGGGACCATTGCACTTCCGTCAGGTAAGAAATTTGAC-3'
Protein context (NP_000042.3, residues 2091-2111): WCPELEELHY[Gln2101Lys]AAWRNMQWDH